The following is an entry in ClinVar:

NM_000038.6(APC):c.8131G>T (p.Val2711Phe)

Gene: APC (APC regulator of Wnt signaling pathway; plus strand). Cytogenetic location: 5q22.2.
Variant type: single nucleotide variant.
Coding change: c.8131G>T on transcript NM_000038.6 (MANE Select); coding-DNA position 8131, G replaced by T.
Protein change: p.Val2711Phe; replaces valine 2711 with phenylalanine.
Molecular consequence: missense variant.
Genome position (GRCh38, 1-based): chr5:112,843,725, G>T. VCF-style: chr5-112843725-G-T. GRCh37 (hg19) VCF-style: chr5-112179422-G-T.
Other names: c.8131G>T, p.Val2711Phe (NM_001127510.3, NM_001354895.2); c.8077G>T, p.Val2693Phe (NM_001127511.3); c.8185G>T, p.Val2729Phe (NM_001354896.2); c.8161G>T, p.Val2721Phe (NM_001354897.2); c.8056G>T, p.Val2686Phe (NM_001354898.2); c.8047G>T, p.Val2683Phe (NM_001354899.2); c.8008G>T, p.Val2670Phe (NM_001354900.2); c.7954G>T, p.Val2652Phe (NM_001354901.2); and 5 more; short protein forms V2428F, V2551F, V2670F, V2683F, V2729F, V2693F, V2585F, V2610F.
Identifiers: ClinVar variation 827474 (VCV000827474.10), dbSNP rs1580690381, ClinGen allele CA16038994.

ClinVar aggregate classification (germline): Uncertain significance. Review status: criteria provided, multiple submitters, no conflicts (2 of 4 stars). 2 submissions from 2 submitters: Uncertain significance (2). Last evaluated 2025-06-10.

Conditions:
Hereditary cancer-predisposing syndrome. Also called: Neoplastic Syndromes, Hereditary; Tumor predisposition; Hereditary neoplastic syndrome; Hereditary Cancer Syndrome. Identifiers: Orphanet 140162, MedGen C0027672, MeSH D009386, MONDO:0015356.
Familial adenomatous polyposis 1 (FAP1). Also called: POLYPOSIS, ADENOMATOUS INTESTINAL; FAMILIAL ADENOMATOUS POLYPOSIS 1, ATTENUATED. Identifiers: MedGen C2713442, MONDO:0021056, OMIM 175100. Disease mechanism: loss of function.

Submissions (2):

Ambry Genetics
Classification: Uncertain significance for Hereditary cancer-predisposing syndrome. Last evaluated: 2025-06-10. Review status: criteria provided, single submitter. Criteria: Ambry Variant Classification Scheme 2023. Collection method: clinical testing. Allele origin: germline.
Comment: The p.V2711F variant (also known as c.8131G>T), located in coding exon 15 of the APC gene, results from a G to T substitution at nucleotide position 8131. The valine at codon 2711 is replaced by phenylalanine, an amino acid with highly similar properties. This amino acid position is poorly conserved in available vertebrate species. In addition, in silico predictors for this gene do not accurately predict pathogenicity. Since supporting evidence is limited at this time, the clinical significance of this alteration remains unclear.

Labcorp Genetics (formerly Invitae), Labcorp
Classification: Uncertain significance for Familial adenomatous polyposis 1. Last evaluated: 2022-08-24. Review status: criteria provided, single submitter. Criteria: Invitae Variant Classification Sherloc (09022015). Collection method: clinical testing. Allele origin: germline.
Comment: In summary, the available evidence is currently insufficient to determine the role of this variant in disease. Therefore, it has been classified as a Variant of Uncertain Significance. Algorithms developed to predict the effect of missense changes on protein structure and function are either unavailable or do not agree on the potential impact of this missense change (SIFT: "Deleterious"; PolyPhen-2: "Benign"; Align-GVGD: "Class C0"). ClinVar contains an entry for this variant (Variation ID: 827474). This variant has not been reported in the literature in individuals affected with APC-related conditions. This variant is not present in population databases (gnomAD no frequency). This sequence change replaces valine, which is neutral and non-polar, with phenylalanine, which is neutral and non-polar, at codon 2711 of the APC protein (p.Val2711Phe).